The following is an entry in ClinVar:

NM_001367624.2(ZNF469):c.10523T>C (p.Leu3508Pro)

Gene: ZNF469 (zinc finger protein 469; plus strand). Cytogenetic location: 16q24.2.
Variant type: single nucleotide variant.
Coding change: c.10523T>C on transcript NM_001367624.2 (MANE Select); coding-DNA position 10523, T replaced by C.
Protein change: p.Leu3508Pro; replaces leucine 3508 with proline.
Molecular consequence: missense variant.
Genome position (GRCh38, 1-based): chr16:88,437,993, T>C. VCF-style: chr16-88437993-T-C. GRCh37 (hg19) VCF-style: chr16-88504401-T-C.
Other names: NM_001127464.1:c.10439T>C; p.Leu3508Pro; short protein forms L3508P.
Identifiers: ClinVar variation 3987328 (VCV003987328.4).

ClinVar aggregate classification (germline): Uncertain significance. Review status: criteria provided, multiple submitters, no conflicts (2 of 4 stars). 3 submissions from 3 submitters: Uncertain significance (3). Last evaluated 2026-06-01.

Conditions:
Cardiovascular phenotype. Identifiers: MedGen CN230736.

gnomAD v4.1: 10 of 1,548,864 alleles (0.00065%); highest among the groups gnomAD compares: Non-Finnish European, 0.00087%; no homozygotes.

Submissions (3):

CeGaT Center for Human Genetics Tuebingen
Classification: Uncertain significance. Last evaluated: 2026-06-01. Review status: criteria provided, single submitter. Criteria: CeGaT Center For Human Genetics Tuebingen Variant Classification Criteria Version 2. Collection method: clinical testing. Allele origin: germline. Affected: yes. Observed: 1 variant allele.
Comment: ZNF469: PM2

Mayo Clinic Laboratories, Mayo Clinic
Classification: Uncertain significance. Last evaluated: 2025-07-26. Review status: criteria provided, single submitter. Criteria: ACMG Guidelines, 2015. Collection method: clinical testing. Allele origin: germline. Observed: 1 variant allele.
Comment: BP4_moderate, PM2_supporting

Ambry Genetics
Classification: Uncertain significance for Cardiovascular phenotype. Last evaluated: 2025-04-23. Review status: criteria provided, single submitter. Criteria: Ambry Variant Classification Scheme 2023. Collection method: clinical testing. Allele origin: germline.
Comment: The p.L3480P variant (also known as c.10439T>C), located in coding exon 2 of the ZNF469 gene, results from a T to C substitution at nucleotide position 10439. The leucine at codon 3480 is replaced by proline, an amino acid with similar properties. This amino acid position is conserved. In addition, this alteration is predicted to be tolerated by in silico analysis. Based on the available evidence, the clinical significance of this variant remains unclear.